The following is an entry in ClinVar:

ClinVar aggregate classification (germline): Conflicting classifications of pathogenicity. Review status: criteria provided, conflicting classifications (1 of 4 stars). 2 submissions from 2 submitters: Uncertain significance (1); Benign (1). Last evaluated 2025-01-21.

Allele frequency attached by ClinVar (database versions not stated): gnomAD exomes 0.00001 and 0.00003; ExAC 0.00003; gnomAD 0.00011 and 0.00012; TOPMed 0.00013; 1000 Genomes Project 30x 0.00016; 1000 Genomes Project 0.00020.
gnomAD v4.1: 30 of 1,608,960 alleles (0.0019%); highest among the groups gnomAD compares: African/African-American, 0.029%; no homozygotes.

Submissions (2):

Labcorp Genetics (formerly Invitae), Labcorp
Classification: Benign. Last evaluated: 2025-01-21. Review status: criteria provided, single submitter. Criteria: Invitae Variant Classification Sherloc (09022015). Collection method: clinical testing. Allele origin: germline.

Laboratorio de Genetica e Diagnostico Molecular, Hospital Israelita Albert Einstein
Classification: Uncertain significance. Last evaluated: 2020-04-04. Review status: criteria provided, single submitter. Criteria: ACMG Guidelines, 2015. Collection method: clinical testing. Allele origin: germline. Affected: yes.
Comment: ACMG classification criteria: PM2

NM_006946.4(SPTBN2):c.4959C>T (p.Asp1653=)

Gene: SPTBN2 (spectrin beta, non-erythrocytic 2; minus strand). Cytogenetic location: 11q13.2.
Variant type: single nucleotide variant.
Coding change: c.4959C>T on transcript NM_006946.4 (MANE Select); coding-DNA position 4959, C replaced by T.
Protein change: p.Asp1653=; no amino-acid change (aspartic acid 1653 retained).
Molecular consequence: synonymous variant.
Genome position (GRCh38, 1-based): chr11:66,692,996, G>A on the plus strand (C>T on the coding strand, the complement: SPTBN2 is on the minus strand). VCF-style: chr11-66692996-G-A. GRCh37 (hg19) VCF-style: chr11-66460467-G-A.
Identifiers: ClinVar variation 1690852 (VCV001690852.8), dbSNP rs572061488, ClinGen allele CA6128425.